The following is an entry in ClinVar:

ClinVar aggregate classification (germline): Conflicting classifications of pathogenicity. Review status: criteria provided, conflicting classifications (1 of 4 stars). 2 submissions from 2 submitters: Likely pathogenic (1); Uncertain significance (1). Last evaluated 2024-10-19.

Conditions:
Cornelia de Lange syndrome 1 (CDLS1). Also called: Brachmann de Lange syndrome; NIPBL-Related Cornelia de Lange Syndrome; TYPUS DEGENERATIVUS AMSTELODAMENSIS. Identifiers: Orphanet 199, MedGen C4551851, MONDO:0007387, OMIM 122470.

Submissions (2):

Labcorp Genetics (formerly Invitae), Labcorp
Classification: Likely pathogenic for Cornelia de Lange syndrome 1. Last evaluated: 2024-10-19. Review status: criteria provided, single submitter. Criteria: Invitae Variant Classification Sherloc (09022015). Collection method: clinical testing. Allele origin: germline.
Comment: This sequence change replaces histidine, which is basic and polar, with arginine, which is basic and polar, at codon 2023 of the NIPBL protein (p.His2023Arg). This variant is not present in population databases (gnomAD no frequency). This missense change has been observed in individual(s) with NIPBL-related conditions (internal data). ClinVar contains an entry for this variant (Variation ID: 159170). Invitae Evidence Modeling of protein sequence and biophysical properties (such as structural, functional, and spatial information, amino acid conservation, physicochemical variation, residue mobility, and thermodynamic stability) indicates that this missense variant is expected to disrupt NIPBL protein function with a positive predictive value of 95%. This variant disrupts the p.His2023 amino acid residue in NIPBL. Other variant(s) that disrupt this residue have been observed in individuals with NIPBL-related conditions (PMID: 25125236), which suggests that this may be a clinically significant amino acid residue. In summary, the currently available evidence indicates that the variant is pathogenic, but additional data are needed to prove that conclusively. Therefore, this variant has been classified as Likely Pathogenic.

Genetic Services Laboratory, University of Chicago
Classification: Uncertain significance for Cornelia de Lange syndrome 1. Last evaluated: 2013-02-08. Review status: criteria provided, single submitter. Criteria: ACMG Guidelines, 2007. Collection method: clinical testing. Allele origin: germline. Inheritance: Autosomal dominant inheritance.

Literature cited by the submitters: PubMed 25125236 (cited by Labcorp Genetics (formerly Invitae), Labcorp).

NM_133433.4(NIPBL):c.6068A>G (p.His2023Arg)

Gene: NIPBL (NIPBL cohesin loading factor; plus strand). Cytogenetic location: 5p13.2.
Variant type: single nucleotide variant.
Coding change: c.6068A>G on transcript NM_133433.4 (MANE Select); coding-DNA position 6068, A replaced by G.
Protein change: p.His2023Arg; replaces histidine 2023 with arginine.
Molecular consequence: missense variant.
Genome position (GRCh38, 1-based): chr5:37,038,698, A>G. VCF-style: chr5-37038698-A-G. GRCh37 (hg19) VCF-style: chr5-37038800-A-G.
Other names: c.6068A>G, p.His2023Arg (NM_015384.5); short protein forms H2023R.
Identifiers: ClinVar variation 159170 (VCV000159170.8), dbSNP rs587783991, ClinGen allele CA272189.